The following is an entry in ClinVar:

ClinVar aggregate classification (germline): Benign/Likely benign. Review status: criteria provided, multiple submitters, no conflicts (2 of 4 stars). 3 submissions from 3 submitters: Benign (1); Likely benign (2). Last evaluated 2026-01-28.

Conditions:
Familial infantile myasthenia (CMS6). Also called: Congenital myasthenic syndrome type 6; MYASTHENIC SYNDROME, PRESYNAPTIC, CONGENITAL, ASSOCIATED WITH EPISODIC APNEA; MYASTHENIC SYNDROME, CONGENITAL, 6, PRESYNAPTIC. Identifiers: Orphanet 590, MedGen C0393929, MONDO:0009689, OMIM 254210.

Allele frequency attached by ClinVar (database versions not stated): gnomAD 0.00001 and 0.00013; TOPMed 0.00004; gnomAD exomes 0.00023 and 0.00043; 1000 Genomes Project 30x 0.00047; ExAC 0.00049; 1000 Genomes Project 0.00060.
gnomAD v4.1: 346 of 1,614,200 alleles (0.021%); highest among the groups gnomAD compares: South Asian, 0.36%; 7 homozygotes.

Submissions (3):

Labcorp Genetics (formerly Invitae), Labcorp
Classification: Benign for Familial infantile myasthenia. Last evaluated: 2026-01-28. Review status: criteria provided, single submitter. Criteria: Invitae Variant Classification Sherloc (09022015). Collection method: clinical testing. Allele origin: germline.

Blueprint Genetics
Classification: Likely benign. Last evaluated: 2024-11-19. Review status: criteria provided, single submitter. Criteria: ACMG Guidelines, 2015. Collection method: clinical testing. Allele origin: germline.

CeGaT Center for Human Genetics Tuebingen
Classification: Likely benign. Last evaluated: 2024-01-01. Review status: criteria provided, single submitter. Criteria: CeGaT Center For Human Genetics Tuebingen Variant Classification Criteria Version 2. Collection method: clinical testing. Allele origin: germline. Affected: yes. Observed: 1 variant allele.
Comment: CHAT: BP4, BP7

NM_020549.5(CHAT):c.1197C>T (p.Ser399=)

Gene: CHAT (choline O-acetyltransferase; plus strand). Cytogenetic location: 10q11.23.
Variant type: single nucleotide variant.
Coding change: c.1197C>T on transcript NM_020549.5 (MANE Select); coding-DNA position 1197, C replaced by T.
Protein change: p.Ser399=; no amino-acid change (serine 399 retained).
Molecular consequence: synonymous variant.
Genome position (GRCh38, 1-based): chr10:49,646,590, C>T. VCF-style: chr10-49646590-C-T. GRCh37 (hg19) VCF-style: chr10-50854636-C-T.
Other names: c.843C>T, p.Ser281= (NM_001142929.2, NM_001142934.2, NM_020984.4 and 2 more transcripts); c.951C>T, p.Ser317= (NM_001142933.2).
Identifiers: ClinVar variation 703518 (VCV000703518.31), dbSNP rs554276268, ClinGen allele CA5497409.